The following is an entry in ClinVar:

NM_001162501.2(TNRC6B):c.437G>A (p.Ser146Asn)

Gene: TNRC6B (trinucleotide repeat containing adaptor 6B; plus strand). Cytogenetic location: 22q13.1.
Variant type: single nucleotide variant.
Coding change: c.437G>A on transcript NM_001162501.2 (MANE Select); coding-DNA position 437, G replaced by A.
Protein change: p.Ser146Asn; replaces serine 146 with asparagine.
Molecular consequence: missense variant.
Genome position (GRCh38, 1-based): chr22:40,262,153, G>A. VCF-style: chr22-40262153-G-A. GRCh37 (hg19) VCF-style: chr22-40658157-G-A.
Other names: c.545G>A, p.Ser182Asn (NM_001024843.2); c.437G>A, p.Ser146Asn (NM_015088.3); short protein forms S146N, S182N.
Identifiers: ClinVar variation 1800806 (VCV001800806.3), dbSNP rs761493535, ClinGen allele CA411626660.

ClinVar aggregate classification (germline): Uncertain significance. Review status: criteria provided, multiple submitters, no conflicts (2 of 4 stars). 2 submissions from 2 submitters: Uncertain significance (2). Last evaluated 2025-10-07.

Conditions:
Inborn genetic diseases. Identifiers: MedGen C0950123, MeSH D030342.

Submissions (2):

GeneDx
Classification: Uncertain significance. Last evaluated: 2025-10-07. Review status: criteria provided, single submitter. Criteria: GeneDx Variant Classification Process June 2021. Collection method: clinical testing. Allele origin: germline.
Comment: Not observed at significant frequency in large population cohorts (gnomAD); In silico analysis suggests that this missense variant does not alter protein structure/function; Has not been previously published as pathogenic or benign to our knowledge

Ambry Genetics
Classification: Uncertain significance for Inborn genetic diseases. Last evaluated: 2024-12-21. Review status: criteria provided, single submitter. Criteria: Ambry Variant Classification Scheme 2023. Collection method: clinical testing. Allele origin: germline.